The following is an entry in ClinVar:

NM_001142864.4(PIEZO1):c.7317C>T (p.Gly2439=)

Gene: PIEZO1 (piezo type mechanosensitive ion channel component 1 (Er blood group); minus strand). Cytogenetic location: 16q24.3.
Variant type: single nucleotide variant.
Coding change: c.7317C>T on transcript NM_001142864.4 (MANE Select); coding-DNA position 7317, C replaced by T.
Protein change: p.Gly2439=; no amino-acid change (glycine 2439 retained).
Molecular consequence: synonymous variant.
Genome position (GRCh38, 1-based): chr16:88,715,854, G>A on the plus strand (C>T on the coding strand, the complement: PIEZO1 is on the minus strand). VCF-style: chr16-88715854-G-A. GRCh37 (hg19) VCF-style: chr16-88782262-G-A.
Other names: p.Gly2439=.
Identifiers: ClinVar variation 3380417 (VCV003380417.1).

ClinVar aggregate classification (germline): Uncertain significance (1 of 4 stars; one submission).

gnomAD v4.1: 5 of 1,549,496 alleles (0.00032%); highest among the groups gnomAD compares: Non-Finnish European, 0.00044%; no homozygotes.

Submission:

Mayo Clinic Laboratories, Mayo Clinic
Classification: Uncertain significance. Last evaluated: 2023-09-26. Review status: criteria provided, single submitter. Criteria: ACMG Guidelines, 2015. Collection method: clinical testing. Allele origin: germline. Observed: 1 variant allele.
Comment: PM2_moderate